The following is an entry in ClinVar:

NM_001256071.3(RNF213):c.9918G>A (p.Thr3306=)

Gene: RNF213 (ring finger protein 213; plus strand). Cytogenetic location: 17q25.3.
Variant type: single nucleotide variant.
Coding change: c.9918G>A on transcript NM_001256071.3 (MANE Select); coding-DNA position 9918, G replaced by A.
Protein change: p.Thr3306=; no amino-acid change (threonine 3306 retained).
Molecular consequence: synonymous variant.
Genome position (GRCh38, 1-based): chr17:80,348,253, G>A. VCF-style: chr17-80348253-G-A. GRCh37 (hg19) VCF-style: chr17-78322053-G-A.
Other names: p.Thr3306=.
Identifiers: ClinVar variation 720541 (VCV000720541.12), dbSNP rs114370278, ClinGen allele CA8821227.

ClinVar aggregate classification (germline): Benign/Likely benign. Review status: criteria provided, multiple submitters, no conflicts (2 of 4 stars). 5 submissions from 5 submitters: Benign (3); Likely benign (1). 1 of the submissions does not count toward it. Last evaluated 2026-01-25.

Conditions:
RNF213-related disorder. Also called: RNF213-related condition.

Allele frequency attached by ClinVar (database versions not stated): gnomAD exomes 0.00133; 1000 Genomes Project 0.00379; 1000 Genomes Project 30x 0.00437; ESP Exome Variant Server 0.00446; gnomAD 0.00496 and 0.00538; TOPMed 0.00557.
gnomAD v4.1: 1,491 of 1,613,774 alleles (0.092%); highest among the groups gnomAD compares: African/African-American, 1.7%; 10 homozygotes.

Submissions (5):

Labcorp Genetics (formerly Invitae), Labcorp
Classification: Benign. Last evaluated: 2026-01-25. Review status: criteria provided, single submitter. Criteria: Invitae Variant Classification Sherloc (09022015). Collection method: clinical testing. Allele origin: germline.

Blueprint Genetics
Classification: Likely benign. Last evaluated: 2024-11-13. Review status: criteria provided, single submitter. Criteria: ACMG Guidelines, 2015. Collection method: clinical testing. Allele origin: germline.

Mayo Clinic Laboratories, Mayo Clinic
Classification: Benign. Last evaluated: 2023-06-30. Review status: criteria provided, single submitter. Criteria: ACMG Guidelines, 2015. Collection method: clinical testing. Allele origin: germline. Observed: 3 variant alleles.
Comment: BS1, BS2, BP4, BP7

Breakthrough Genomics
Classification: Benign. Review status: criteria provided, single submitter. Criteria: ACMG Guidelines, 2015. Collection method: not provided. Allele origin: germline. Inheritance: Autosomal dominant inheritance. Affected: yes.

PreventionGenetics, part of Exact Sciences
Classification: Benign for RNF213-related condition. Last evaluated: 2019-05-27. Review status: no assertion criteria provided. Collection method: clinical testing. Allele origin: germline. Not counted in ClinVar's aggregate classification.
Comment: This variant is classified as benign based on ACMG/AMP sequence variant interpretation guidelines (Richards et al. 2015 PMID: 25741868, with internal and published modifications).